The following is an entry in ClinVar:

ClinVar aggregate classification (germline): Uncertain significance (1 of 4 stars; one submission).

Submission:

Labcorp Genetics (formerly Invitae), Labcorp
Classification: Uncertain significance. Last evaluated: 2023-05-01. Review status: criteria provided, single submitter. Criteria: Invitae Variant Classification Sherloc (09022015). Collection method: clinical testing. Allele origin: germline.
Comment: This sequence change replaces glycine, which is neutral and non-polar, with aspartic acid, which is acidic and polar, at codon 147 of the GRIA3 protein (p.Gly147Asp). This variant is not present in population databases (gnomAD no frequency). This variant has not been reported in the literature in individuals affected with GRIA3-related conditions. Advanced modeling of protein sequence and biophysical properties (such as structural, functional, and spatial information, amino acid conservation, physicochemical variation, residue mobility, and thermodynamic stability) performed at Invitae indicates that this missense variant is not expected to disrupt GRIA3 protein function. In summary, the available evidence is currently insufficient to determine the role of this variant in disease. Therefore, it has been classified as a Variant of Uncertain Significance.

NM_007325.5(GRIA3):c.440G>A (p.Gly147Asp)

Gene: GRIA3 (glutamate ionotropic receptor AMPA type subunit 3; plus strand). Cytogenetic location: Xq25.
Variant type: single nucleotide variant.
Coding change: c.440G>A on transcript NM_007325.5 (MANE Select); coding-DNA position 440, G replaced by A.
Protein change: p.Gly147Asp; replaces glycine 147 with aspartic acid.
Molecular consequence: missense variant.
Genome position (GRCh38, 1-based): chrX:123,253,474, G>A. VCF-style: chrX-123253474-G-A. GRCh37 (hg19) VCF-style: chrX-122387325-G-A.
Other names: c.440G>A, p.Gly147Asp (NM_000828.5); short protein forms G147D.
Identifiers: ClinVar variation 2861043 (VCV002861043.3), dbSNP rs986299564, ClinGen allele CA335228880.
Genomic context (GRCh38, chrX:123,253,474, plus strand): 5'-CTAGCTTCCCCACTGACGCAGATGTGCAGTTTGTCATCCAGATGCGCCCAGCCTTGAAGG[G>A]CGCTATTCTGAGTCTTCTGGGTCATTACAAGTGGGAGAAGTTTGTGTACCTCTATGACAC-3'
Protein context (NP_015564.5, residues 137-157): FVIQMRPALK[Gly147Asp]AILSLLGHYK